The following is an entry in ClinVar:

NM_001077365.2(POMT1):c.*226T>C

Gene: POMT1 (protein O-mannosyltransferase 1; plus strand). Cytogenetic location: 9q34.13.
Variant type: single nucleotide variant.
Coding change: c.*226T>C on transcript NM_001077365.2 (MANE Select); 226 bases downstream of the stop codon, T replaced by C.
Molecular consequence: 3 prime UTR variant. On other transcripts: non-coding transcript variant (7).
Genome position (GRCh38, 1-based): chr9:131,523,332, T>C. VCF-style: chr9-131523332-T-C. GRCh37 (hg19) VCF-style: chr9-134398719-T-C.
Other names: c.*226T>C (NM_001077366.2, NM_001136113.2, NM_001136114.2 and 15 more transcripts).
Identifiers: ClinVar variation 288427 (VCV000288427.12), dbSNP rs3824395, ClinGen allele CA10606083.
Genomic context (GRCh38, chr9:131,523,332, plus strand): 5'-TGAGCACCTCCTTTTGTGCAAAGTTAATTTTTTCTCGACAATAAAGATATTCCGTGTCTT[T>C]ACCCCTGAACTAAGACACAGGGAGTATTTCAGAGGCCAGCGTAGGAGTCATTGACAACAA-3'

ClinVar aggregate classification (germline): Benign. Review status: criteria provided, multiple submitters, no conflicts (2 of 4 stars). 4 submissions from 4 submitters: Benign (4). Last evaluated 2018-06-14.

Conditions:
Autosomal recessive limb-girdle muscular dystrophy type 2K. Also called: MUSCULAR DYSTROPHY-DYSTROGLYCANOPATHY (LIMB-GIRDLE), TYPE C, 1; MUSCULAR DYSTROPHY, LIMB-GIRDLE, TYPE 2K. Identifiers: Orphanet 86812, MedGen C1836373, MONDO:0012248, OMIM 609308.

Allele frequency attached by ClinVar (database versions not stated): 1000 Genomes Project 30x 0.86680; TOPMed 0.86870; 1000 Genomes Project 0.87081; gnomAD 0.88255 and 0.88693; gnomAD exomes 0.94147.
gnomAD v4.1: 548,722 of 592,146 alleles (93%); highest among the groups gnomAD compares: South Asian, 97%; 255,637 homozygotes.

Submissions (4):

GeneDx
Classification: Benign. Last evaluated: 2018-06-14. Review status: criteria provided, single submitter. Criteria: GeneDx Variant Classification Process June 2021. Collection method: clinical testing. Allele origin: germline. Affected: yes.

Illumina Laboratory Services, Illumina
Classification: Benign for Autosomal recessive limb-girdle muscular dystrophy type 2K. Last evaluated: 2018-01-13. Review status: criteria provided, single submitter. Criteria: ICSL Variant Classification Criteria 13 December 2019. Collection method: clinical testing. Allele origin: germline.
Comment: This variant was observed in the ICSL laboratory as part of a predisposition screen in an ostensibly healthy population. It had not been previously curated by ICSL or reported in the Human Gene Mutation Database (HGMD: prior to June 1st, 2018), and was therefore a candidate for classification through an automated scoring system. Utilizing variant allele frequency, disease prevalence and penetrance estimates, and inheritance mode, an automated score was calculated to assess if this variant is too frequent to cause the disease. Based on the score and internal cut-off values, a variant classified as benign is not then subjected to further curation. The score for this variant resulted in a classification of benign for this disease.

Eurofins Ntd Llc (ga)
Classification: Benign. Last evaluated: 2016-06-15. Review status: criteria provided, single submitter. Criteria: EGL Classification Definitions 2015. Collection method: clinical testing. Allele origin: germline. Observed: 1 variant allele.

Breakthrough Genomics
Classification: Benign. Review status: criteria provided, single submitter. Criteria: ACMG Guidelines, 2015. Collection method: not provided. Allele origin: germline. Inheritance: Autosomal recessive inheritance. Affected: yes.